The following is an entry in ClinVar:

NM_000283.4(PDE6B):c.2352+3G>A

Gene: PDE6B (phosphodiesterase 6B; plus strand). Cytogenetic location: 4p16.3.
Variant type: single nucleotide variant.
Coding change: c.2352+3G>A on transcript NM_000283.4 (MANE Select); 3 bases into the intron after coding-DNA position 2352, G replaced by A.
Molecular consequence: intron variant.
Genome position (GRCh38, 1-based): chr4:666,617, G>A. VCF-style: chr4-666617-G-A. GRCh37 (hg19) VCF-style: chr4-660406-G-A.
Other names: c.2352+3G>A (NM_001145291.2); c.1515+3G>A (NM_001379246.1, NM_001379247.1, NM_001145292.2 and 1 more transcripts); c.1197+3G>A (NM_001350155.3).
Identifiers: ClinVar variation 349394 (VCV000349394.13), dbSNP rs111504036, ClinGen allele CA2795017.

ClinVar aggregate classification (germline): Conflicting classifications of pathogenicity. Review status: criteria provided, conflicting classifications (1 of 4 stars). 4 submissions from 3 submitters: Uncertain significance (2); Benign (1); Likely benign (1). Last evaluated 2025-10-07.

Conditions:
Retinitis pigmentosa (RP). Identifiers: Orphanet 791, MedGen C0035334, MeSH D012174, MONDO:0019200, OMIM 268000. Inheritance: Autosomal dominant, autosomal recessive and X linked inheritance.
Congenital stationary night blindness autosomal dominant 2. Also called: NIGHT BLINDNESS, CONGENITAL STATIONARY, RAMBUSCH TYPE. Identifiers: Orphanet 215, MedGen C1876182, MONDO:0008099, OMIM 163500.

Allele frequency attached by ClinVar (database versions not stated): gnomAD exomes 0.00022; ExAC 0.00026; TOPMed 0.00030; gnomAD 0.00033; ESP Exome Variant Server 0.00038; 1000 Genomes Project 0.00060; 1000 Genomes Project 30x 0.00062.
gnomAD v4.1: 418 of 1,603,580 alleles (0.026%); highest among the groups gnomAD compares: Middle Eastern, 0.099%; no homozygotes.

Submissions (4):

Labcorp Genetics (formerly Invitae), Labcorp
Classification: Uncertain significance. Last evaluated: 2025-10-07. Review status: criteria provided, single submitter. Criteria: Invitae Variant Classification Sherloc (09022015). Collection method: clinical testing. Allele origin: germline.
Comment: This sequence change falls in intron 20 of the PDE6B gene. It does not directly change the encoded amino acid sequence of the PDE6B protein. It affects a nucleotide within the consensus splice site. This variant is present in population databases (rs111504036, gnomAD 0.08%). This variant has not been reported in the literature in individuals affected with PDE6B-related conditions. ClinVar contains an entry for this variant (Variation ID: 349394). Variants that disrupt the consensus splice site are a relatively common cause of aberrant splicing (PMID: 17576681, 9536098). Algorithms developed to predict the effect of sequence changes on RNA splicing suggest that this variant is not likely to affect RNA splicing. In summary, the available evidence is currently insufficient to determine the role of this variant in disease. Therefore, it has been classified as a Variant of Uncertain Significance.

Blueprint Genetics
Classification: Likely benign. Last evaluated: 2024-11-20. Review status: criteria provided, single submitter. Criteria: ACMG Guidelines, 2015. Collection method: clinical testing. Allele origin: germline.

Illumina Laboratory Services, Illumina
Classification: Benign for Congenital stationary night blindness autosomal dominant 2. Last evaluated: 2018-01-13. Review status: criteria provided, single submitter. Criteria: ICSL Variant Classification Criteria 13 December 2019. Collection method: clinical testing. Allele origin: germline.
Comment: This variant was observed in the ICSL laboratory as part of a predisposition screen in an ostensibly healthy population. It had not been previously curated by ICSL or reported in the Human Gene Mutation Database (HGMD: prior to June 1st, 2018), and was therefore a candidate for classification through an automated scoring system. Utilizing variant allele frequency, disease prevalence and penetrance estimates, and inheritance mode, an automated score was calculated to assess if this variant is too frequent to cause the disease. Based on the score and internal cut-off values, a variant classified as benign is not then subjected to further curation. The score for this variant resulted in a classification of benign for this disease.

Illumina Laboratory Services, Illumina
Classification: Uncertain significance for Retinitis pigmentosa. Last evaluated: 2018-01-13. Review status: criteria provided, single submitter. Criteria: ICSL Variant Classification Criteria 13 December 2019. Collection method: clinical testing. Allele origin: germline.

Literature cited by the submitters: PubMed 17576681 (cited by Labcorp Genetics (formerly Invitae), Labcorp); PubMed 9536098 (cited by Labcorp Genetics (formerly Invitae), Labcorp).